The following is an entry in ClinVar:

ClinVar aggregate classification (germline): Uncertain significance (1 of 4 stars; one submission).

gnomAD v4.1: 1 of 1,611,386 alleles (0.000062%); highest among the groups gnomAD compares: Admixed American, 0.0017%; no homozygotes.

Submission:

Labcorp Genetics (formerly Invitae), Labcorp
Classification: Uncertain significance. Last evaluated: 2024-10-07. Review status: criteria provided, single submitter. Criteria: Invitae Variant Classification Sherloc (09022015). Collection method: clinical testing. Allele origin: germline.
Comment: This sequence change replaces aspartic acid, which is acidic and polar, with glutamic acid, which is acidic and polar, at codon 701 of the COL4A1 protein (p.Asp701Glu). This variant is not present in population databases (gnomAD no frequency). This variant has not been reported in the literature in individuals affected with COL4A1-related conditions. Invitae Evidence Modeling of protein sequence and biophysical properties (such as structural, functional, and spatial information, amino acid conservation, physicochemical variation, residue mobility, and thermodynamic stability) indicates that this missense variant is not expected to disrupt COL4A1 protein function with a negative predictive value of 95%. In summary, the available evidence is currently insufficient to determine the role of this variant in disease. Therefore, it has been classified as a Variant of Uncertain Significance.

NM_001845.6(COL4A1):c.2103C>G (p.Asp701Glu)

Gene: COL4A1 (collagen type IV alpha 1 chain; minus strand). Cytogenetic location: 13q34.
Variant type: single nucleotide variant.
Coding change: c.2103C>G on transcript NM_001845.6 (MANE Select); coding-DNA position 2103, C replaced by G.
Protein change: p.Asp701Glu; replaces aspartic acid 701 with glutamic acid.
Molecular consequence: missense variant.
Genome position (GRCh38, 1-based): chr13:110,181,382, G>C on the plus strand (C>G on the coding strand, the complement: COL4A1 is on the minus strand). VCF-style: chr13-110181382-G-C. GRCh37 (hg19) VCF-style: chr13-110833729-G-C.
Other names: short protein forms D701E.
Identifiers: ClinVar variation 3622421 (VCV003622421.2).